The following is an entry in ClinVar:

ClinVar aggregate classification (germline): Uncertain significance. Review status: criteria provided, multiple submitters, no conflicts (2 of 4 stars). 2 submissions from 2 submitters: Uncertain significance (2). Last evaluated 2024-11-07.

Conditions:
CLDN14-related disorder. Also called: CLDN14-related condition.

Allele frequency attached by ClinVar (database versions not stated): ESP Exome Variant Server 0.00008.
gnomAD v4.1: 102 of 1,610,700 alleles (0.0063%); highest among the groups gnomAD compares: South Asian, 0.073%; 1 homozygote.

Submissions (2):

PreventionGenetics, part of Exact Sciences
Classification: Uncertain significance for CLDN14-related condition. Last evaluated: 2024-11-07. Review status: criteria provided, single submitter. Criteria: ACMG Guidelines, 2015. Collection method: clinical testing. Allele origin: germline.
Comment: The CLDN14 c.106G>A variant is predicted to result in the amino acid substitution p.Val36Met. To our knowledge, this variant has not been reported in the literature. This variant is reported in 0.077% of alleles in individuals of South Asian descent in gnomAD. Although we suspect that this variant may be benign, at this time, the clinical significance of this variant is uncertain due to the absence of conclusive functional and genetic evidence.

Labcorp Genetics (formerly Invitae), Labcorp
Classification: Uncertain significance. Last evaluated: 2021-09-24. Review status: criteria provided, single submitter. Criteria: Invitae Variant Classification Sherloc (09022015). Collection method: clinical testing. Allele origin: germline.
Comment: This sequence change replaces valine with methionine at codon 36 of the CLDN14 protein (p.Val36Met). The valine residue is highly conserved and there is a small physicochemical difference between valine and methionine. This variant is present in population databases (rs142205038, ExAC 0.07%). This variant has not been reported in the literature in individuals with CLDN14-related conditions. Algorithms developed to predict the effect of missense changes on protein structure and function are either unavailable or do not agree on the potential impact of this missense change (SIFT: "Deleterious"; PolyPhen-2: "Possibly Damaging"; Align-GVGD: "Class C0"). In summary, the available evidence is currently insufficient to determine the role of this variant in disease. Therefore, it has been classified as a Variant of Uncertain Significance.

NM_001146079.2(CLDN14):c.106G>A (p.Val36Met)

Genes: CLDN14 (claudin 14; minus strand), CLDN14-AS1 (CLDN14 antisense RNA 1; plus strand). Cytogenetic location: 21q22.13.
Variant type: single nucleotide variant.
Coding change: c.106G>A on transcript NM_001146079.2 (MANE Select); coding-DNA position 106, G replaced by A.
Protein change: p.Val36Met; replaces valine 36 with methionine.
Molecular consequence: missense variant.
Genome position (GRCh38, 1-based): chr21:36,461,590, C>T on the plus strand (G>A on the coding strand, the complement: CLDN14 is on the minus strand). VCF-style: chr21-36461590-C-T. GRCh37 (hg19) VCF-style: chr21-37833888-C-T.
Other names: c.106G>A (NM_001146077.1); c.106G>A, p.Val36Met (NM_001146077.2, NM_001146078.3, NM_012130.4 and 1 more transcripts); short protein forms V36M.
Identifiers: ClinVar variation 1516658 (VCV001516658.6), dbSNP rs142205038, ClinGen allele CA10019340.